The following is an entry in ClinVar:

ClinVar aggregate classification (germline): Uncertain significance (1 of 4 stars; one submission).

gnomAD v4.1: 1 of 1,596,222 alleles (0.000063%); highest among the groups gnomAD compares: Non-Finnish European, 0.000085%; no homozygotes.

Submission:

Ambry Genetics
Classification: Uncertain significance. Last evaluated: 2024-12-15. Review status: criteria provided, single submitter. Criteria: Ambry Variant Classification Scheme 2023. Collection method: clinical testing. Allele origin: germline.
Comment: The p.D232N variant (also known as c.694G>A), located in coding exon 3 of the GFI1 gene, results from a G to A substitution at nucleotide position 694. The aspartic acid at codon 232 is replaced by asparagine, an amino acid with highly similar properties. This amino acid position is conserved. In addition, this alteration is predicted to be tolerated by in silico analysis. Based on the available evidence, the clinical significance of this variant remains unclear.

NM_005263.5(GFI1):c.694G>A (p.Asp232Asn)

Gene: GFI1 (growth factor independent 1 transcriptional repressor; minus strand). Cytogenetic location: 1p22.1.
Variant type: single nucleotide variant.
Coding change: c.694G>A on transcript NM_005263.5 (MANE Select); coding-DNA position 694, G replaced by A.
Protein change: p.Asp232Asn; replaces aspartic acid 232 with asparagine.
Molecular consequence: missense variant.
Genome position (GRCh38, 1-based): chr1:92,480,693, C>T on the plus strand (G>A on the coding strand, the complement: GFI1 is on the minus strand). VCF-style: chr1-92480693-C-T. GRCh37 (hg19) VCF-style: chr1-92946250-C-T.
Other names: c.694G>A, p.Asp232Asn (NM_001127215.3, NM_001127216.3); short protein forms D232N.
Identifiers: ClinVar variation 3853651 (VCV003853651.1).